The following is an entry in ClinVar:

ClinVar aggregate classification (germline): Benign. Review status: criteria provided, multiple submitters, no conflicts (2 of 4 stars). 2 submissions from 2 submitters: Benign (2). Last evaluated 2018-01-13.

Conditions:
CBL-related disorder. Also called: NOONAN SYNDROME-LIKE DISORDER WITHOUT JUVENILE MYELOMONOCYTIC LEUKEMIA; CBL MUTATION-ASSOCIATED SYNDROME; CBL SYNDROME. Identifiers: Orphanet 363972, MedGen C3150803, MONDO:0013308, OMIM 613563.

Allele frequency attached by ClinVar (database versions not stated): gnomAD exomes 0.05634; gnomAD 0.09669 and 0.09984; 1000 Genomes Project 0.09744; 1000 Genomes Project 30x 0.09994; TOPMed 0.10118.
gnomAD v4.1: 19,240 of 233,100 alleles (8.3%); highest among the groups gnomAD compares: African/African-American, 22%; 1,367 homozygotes.

Submissions (2):

Illumina Laboratory Services, Illumina
Classification: Benign for CBL-related disorder. Last evaluated: 2018-01-13. Review status: criteria provided, single submitter. Criteria: ICSL Variant Classification Criteria 13 December 2019. Collection method: clinical testing. Allele origin: germline.
Comment: This variant was observed in the ICSL laboratory as part of a predisposition screen in an ostensibly healthy population. It had not been previously curated by ICSL or reported in the Human Gene Mutation Database (HGMD: prior to June 1st, 2018), and was therefore a candidate for classification through an automated scoring system. Utilizing variant allele frequency, disease prevalence and penetrance estimates, and inheritance mode, an automated score was calculated to assess if this variant is too frequent to cause the disease. Based on the score and internal cut-off values, a variant classified as benign is not then subjected to further curation. The score for this variant resulted in a classification of benign for this disease.

Breakthrough Genomics
Classification: Benign. Review status: criteria provided, single submitter. Criteria: ACMG Guidelines, 2015. Collection method: not provided. Allele origin: germline. Inheritance: Autosomal dominant inheritance. Affected: yes.

NM_005188.4(CBL):c.*1915T>C

Gene: CBL (Cbl proto-oncogene; plus strand). Cytogenetic location: 11q23.3.
Variant type: single nucleotide variant.
Coding change: c.*1915T>C on transcript NM_005188.4 (MANE Select); 1915 bases downstream of the stop codon, T replaced by C.
Molecular consequence: 3 prime UTR variant.
Genome position (GRCh38, 1-based): chr11:119,301,696, T>C. VCF-style: chr11-119301696-T-C. GRCh37 (hg19) VCF-style: chr11-119172406-T-C.
Identifiers: ClinVar variation 302814 (VCV000302814.6), dbSNP rs1918, ClinGen allele CA10637403.